The following is an entry in ClinVar:

ClinVar aggregate classification (germline): Conflicting classifications of pathogenicity. Review status: criteria provided, conflicting classifications (1 of 4 stars). 2 submissions from 2 submitters: Uncertain significance (1); Likely benign (1). Last evaluated 2025-11-04.

Conditions:
Hereditary cancer-predisposing syndrome. Also called: Tumor predisposition; Neoplastic Syndromes, Hereditary; Hereditary neoplastic syndrome; Hereditary Cancer Syndrome. Identifiers: Orphanet 140162, MedGen C0027672, MeSH D009386, MONDO:0015356.

Allele frequency attached by ClinVar (database versions not stated): gnomAD 0.00001; TOPMed 0.00001.
gnomAD v4.1: 2 of 1,613,180 alleles (0.00012%); highest among the groups gnomAD compares: Admixed American, 0.0017%; no homozygotes.

Submissions (2):

Labcorp Genetics (formerly Invitae), Labcorp
Classification: Uncertain significance. Last evaluated: 2025-11-04. Review status: criteria provided, single submitter. Criteria: Invitae Variant Classification Sherloc (09022015). Collection method: clinical testing. Allele origin: germline.
Comment: This sequence change replaces arginine, which is basic and polar, with serine, which is neutral and polar, at codon 1303 of the POLE protein (p.Arg1303Ser). The frequency data for this variant in the population databases is considered unreliable, as metrics indicate poor data quality at this position in the gnomAD database. This variant has not been reported in the literature in individuals affected with POLE-related conditions. ClinVar contains an entry for this variant (Variation ID: 850012). An algorithm developed to predict the effect of missense changes on protein structure and function outputs the following: PolyPhen-2: "Benign". The serine amino acid residue is found in multiple mammalian species, which suggests that this missense change does not adversely affect protein function. In summary, the available evidence is currently insufficient to determine the role of this variant in disease. Therefore, it has been classified as a Variant of Uncertain Significance.

Ambry Genetics
Classification: Likely benign for Hereditary cancer-predisposing syndrome. Last evaluated: 2025-03-07. Review status: criteria provided, single submitter. Criteria: Ambry Variant Classification Scheme 2023. Collection method: clinical testing. Allele origin: germline.

NM_006231.4(POLE):c.3909G>T (p.Arg1303Ser)

Gene: POLE (DNA polymerase epsilon, catalytic subunit; minus strand). Cytogenetic location: 12q24.33.
Variant type: single nucleotide variant.
Coding change: c.3909G>T on transcript NM_006231.4 (MANE Select); coding-DNA position 3909, G replaced by T.
Protein change: p.Arg1303Ser; replaces arginine 1303 with serine.
Molecular consequence: missense variant.
Genome position (GRCh38, 1-based): chr12:132,649,402, C>A on the plus strand (G>T on the coding strand, the complement: POLE is on the minus strand). VCF-style: chr12-132649402-C-A. GRCh37 (hg19) VCF-style: chr12-133225988-C-A.
Other names: c.3909G>T (NM_006231.2); short protein forms R1303S.
Identifiers: ClinVar variation 850012 (VCV000850012.8), dbSNP rs1233392878, ClinGen allele CA387385162.